The following is an entry in ClinVar:

ClinVar aggregate classification (germline): Uncertain significance (1 of 4 stars; one submission).

Conditions:
Intellectual developmental disorder, autosomal dominant 52. Also called: Intellectual disability, autosomal dominant 52; Mental retardation, autosomal dominant 52. Identifiers: MedGen C4540478, MONDO:0030918, OMIM 617796.

Submission:

Laboratorio de Genetica e Diagnostico Molecular, Hospital Israelita Albert Einstein
Classification: Uncertain significance for Intellectual developmental disorder, autosomal dominant 52. Last evaluated: 2023-05-18. Review status: criteria provided, single submitter. Criteria: ACMG Guidelines, 2015. Collection method: clinical testing. Allele origin: germline. Affected: yes.
Comment: ACMG classification criteria: PM2 moderate

NM_018489.3(ASH1L):c.49G>T (p.Gly17Cys)

Gene: ASH1L (ASH1 like histone lysine methyltransferase; minus strand). Cytogenetic location: 1q22.
Variant type: single nucleotide variant.
Coding change: c.49G>T on transcript NM_018489.3 (MANE Select); coding-DNA position 49, G replaced by T.
Protein change: p.Gly17Cys; replaces glycine 17 with cysteine.
Molecular consequence: missense variant.
Genome position (GRCh38, 1-based): chr1:155,521,471, C>A on the plus strand (G>T on the coding strand, the complement: ASH1L is on the minus strand). VCF-style: chr1-155521471-C-A. GRCh37 (hg19) VCF-style: chr1-155491262-C-A.
Other names: c.49G>T, p.Gly17Cys (NM_001366177.2); short protein forms G17C.
Identifiers: ClinVar variation 3900995 (VCV003900995.1).